The following is an entry in ClinVar:

NM_054012.4(ASS1):c.191del (p.Val64fs)

Gene: ASS1 (argininosuccinate synthase 1; plus strand). Cytogenetic location: 9q34.11.
Variant type: Deletion.
Coding change: c.191del on transcript NM_054012.4 (MANE Select); coding-DNA position 191, one base deleted (T; older notation c.191delT).
Protein change: p.Val64fs; shifts the reading frame from valine 64.
Molecular consequence: frameshift variant.
Genome position (GRCh38, 1-based): chr9:130,458,417, T deleted. VCF-style (leftmost placement, unchanged base first): chr9-130458416-GT-G. GRCh37 (hg19) VCF-style: chr9-133333803-GT-G.
Other names: c.191del, p.Val64fs (NM_000050.4); short protein forms V64fs.
Identifiers: ClinVar variation 4818570 (VCV004818570.1).

ClinVar aggregate classification (germline): Likely pathogenic (1 of 4 stars; one submission).

Conditions:
Citrullinemia type I (CTNL1). Also called: ASS DEFICIENCY; argininosuccinate synthetase deficiency. Identifiers: Orphanet 247525, MedGen C4721769, MONDO:0008988, OMIM 215700.

Submission:

Natera, Inc.
Classification: Likely pathogenic for Citrullinemia type I. Last evaluated: 2024-09-19. Review status: criteria provided, single submitter. Criteria: Natera Variant Classification Schema (03/2026). Collection method: clinical testing. Allele origin: germline.
Comment: The c.191del variant in ASS1 is a frameshift variant predicted to shift the reading frame beginning at codon 64 and leads to a stop codon 76 codons downstream. This variant is expected to result in nonsense mediated decay, truncation, or a dysfunctional protein product. This variant is rare in the general population with a frequency below the threshold expected for the associated phenotype(s). Given the available evidence, this variant is classified as Likely Pathogenic.